The following is an entry in ClinVar:

NM_201384.3(PLEC):c.13496C>T (p.Ala4499Val)

Gene: PLEC (plectin; minus strand). Cytogenetic location: 8q24.3.
Variant type: single nucleotide variant.
Coding change: c.13496C>T on transcript NM_201384.3 (MANE Select); coding-DNA position 13496, C replaced by T.
Protein change: p.Ala4499Val; replaces alanine 4499 with valine.
Molecular consequence: missense variant.
Genome position (GRCh38, 1-based): chr8:143,916,325, G>A on the plus strand (C>T on the coding strand, the complement: PLEC is on the minus strand). VCF-style: chr8-143916325-G-A. GRCh37 (hg19) VCF-style: chr8-144990493-G-A.
Other names: c.13577C>T, p.Ala4526Val (NM_000445.5); c.13454C>T, p.Ala4485Val (NM_201378.4); c.13430C>T, p.Ala4477Val (NM_201379.3); c.13907C>T, p.Ala4636Val (NM_201380.4); c.13400C>T, p.Ala4467Val (NM_201381.3); c.13496C>T, p.Ala4499Val (NM_201382.4); c.13508C>T, p.Ala4503Val (NM_201383.3); c.13577C>T (NM_000445.3); short protein forms A4477V, A4499V, A4503V, A4526V, A4636V, A4467V, A4485V.
Identifiers: ClinVar variation 649193 (VCV000649193.13), dbSNP rs781892954, ClinGen allele CA4923780.

ClinVar aggregate classification (germline): Uncertain significance. Review status: criteria provided, multiple submitters, no conflicts (2 of 4 stars). 3 submissions from 3 submitters: Uncertain significance (3). Last evaluated 2026-07-14.

Conditions:
Epidermolysis bullosa simplex 5B, with muscular dystrophy (EBS5B). Also called: Epidermolysis bullosa simplex with muscular dystrophy; EPIDERMOLYSIS BULLOSA SIMPLEX AND LIMB-GIRDLE MUSCULAR DYSTROPHY. Identifiers: Orphanet 257, MedGen C2931072, MONDO:0009181, OMIM 226670.
Autosomal recessive limb-girdle muscular dystrophy type 2Q (LGMDR17). Also called: MUSCULAR DYSTROPHY, LIMB-GIRDLE, AUTOSOMAL RECESSIVE 17. Identifiers: Orphanet 254361, MedGen C3150989, MONDO:0013390, OMIM 613723.
Epidermolysis bullosa simplex 5C, with pyloric atresia (EBS5C). Also called: PLEC-Related Epidermolysis Bullosa with Pyloric Atresia; PLEC1-Related Epidermolysis Bullosa with Pyloric Atresia; Epidermolysis bullosa simplex with pyloric atresia. Identifiers: Orphanet 158684, MedGen C2677349, MONDO:0012807, OMIM 612138.
Epidermolysis bullosa simplex, Ogna type (EBS5A). Also called: Pidermolysis bullosa simplex 5A, Ogna type; EPIDERMOLYSIS BULLOSA SIMPLEX 5A, OGNA TYPE. Identifiers: Orphanet 79401, MedGen C0432317, MONDO:0007555, OMIM 131950.
Epidermolysis bullosa simplex with nail dystrophy (EBS5D). Identifiers: MedGen C4225309, MONDO:0014661, OMIM 616487.
PLEC-related disorder. Also called: PLEC-related condition; PLEC-related disorders.
Inborn genetic diseases. Identifiers: MedGen C0950123, MeSH D030342.

Allele frequency attached by ClinVar (database versions not stated): gnomAD exomes 0.00003; ExAC 0.00004; TOPMed 0.00005; gnomAD 0.00006.
gnomAD v4.1: 24 of 1,588,728 alleles (0.0015%); highest among the groups gnomAD compares: African/African-American, 0.024%; no homozygotes.

Submissions (3):

PreventionGenetics, part of Exact Sciences
Classification: Uncertain significance for PLEC-related condition. Last evaluated: 2026-07-14. Review status: criteria provided, single submitter. Criteria: ACMG Guidelines, 2015. Collection method: clinical testing. Allele origin: germline.
Comment: The PLEC c.13577C>T variant is predicted to result in the amino acid substitution p.Ala4526Val. To our knowledge, this variant has not been reported in the literature. This variant is reported in 0.046% of alleles in individuals of African descent in gnomAD. At this time, the clinical significance of this variant is uncertain due to the absence of conclusive functional and genetic evidence.

Ambry Genetics
Classification: Uncertain significance for Inborn genetic diseases. Last evaluated: 2025-05-18. Review status: criteria provided, single submitter. Criteria: Ambry Variant Classification Scheme 2023. Collection method: clinical testing. Allele origin: germline.

Labcorp Genetics (formerly Invitae), Labcorp
Classification: Uncertain significance for Autosomal recessive limb-girdle muscular dystrophy type 2Q; Epidermolysis bullosa simplex, Ogna type; Epidermolysis bullosa simplex with nail dystrophy; Epidermolysis bullosa simplex 5C, with pyloric atresia; Epidermolysis bullosa simplex 5B, with muscular dystrophy. Last evaluated: 2022-08-16. Review status: criteria provided, single submitter. Criteria: Invitae Variant Classification Sherloc (09022015). Collection method: clinical testing. Allele origin: germline.
Comment: This variant is present in population databases (rs781892954, gnomAD 0.05%). This sequence change replaces alanine, which is neutral and non-polar, with valine, which is neutral and non-polar, at codon 4526 of the PLEC protein (p.Ala4526Val). This variant has not been reported in the literature in individuals affected with PLEC-related conditions. In summary, the available evidence is currently insufficient to determine the role of this variant in disease. Therefore, it has been classified as a Variant of Uncertain Significance. Algorithms developed to predict the effect of sequence changes on RNA splicing suggest that this variant may create or strengthen a splice site. Algorithms developed to predict the effect of missense changes on protein structure and function are either unavailable or do not agree on the potential impact of this missense change (SIFT: "Deleterious"; PolyPhen-2: "Not Available"; Align-GVGD: "Class C0"). ClinVar contains an entry for this variant (Variation ID: 649193).